The following is an entry in ClinVar:

NM_004230.4(S1PR2):c.673G>A (p.Ala225Thr)

Gene: S1PR2 (sphingosine-1-phosphate receptor 2; minus strand). Cytogenetic location: 19p13.2.
Variant type: single nucleotide variant.
Coding change: c.673G>A on transcript NM_004230.4 (MANE Select); coding-DNA position 673, G replaced by A.
Protein change: p.Ala225Thr; replaces alanine 225 with threonine.
Molecular consequence: missense variant.
Genome position (GRCh38, 1-based): chr19:10,224,233, C>T on the plus strand (G>A on the coding strand, the complement: S1PR2 is on the minus strand). VCF-style: chr19-10224233-C-T. GRCh37 (hg19) VCF-style: chr19-10334909-C-T.
Other names: c.673G>A (NM_004230.3); short protein forms A225T.
Identifiers: ClinVar variation 1120057 (VCV001120057.6), dbSNP rs143046723, ClinGen allele CA9189049.
Genomic context (GRCh38, chr19:10,224,233, plus strand): 5'-AGACGATAAAGACGCCTAGCACGATGGTGACCGTCTTGAGCAGGGCTAGCGTCTGCGGGG[C>T]GGCCATGTCAGCGTGGCTTGAGCGGACCACGCAGTAGATGCGCACGTACAGGGCCACGAT-3'
Protein context (NP_004221.3, residues 215-235): VVRSSHADMA[Ala225Thr]PQTLALLKTV

ClinVar aggregate classification (germline): Conflicting classifications of pathogenicity. Review status: criteria provided, conflicting classifications (1 of 4 stars). 2 submissions from 2 submitters: Uncertain significance (1); Likely benign (1). Last evaluated 2023-06-13.

Conditions:
Inborn genetic diseases. Identifiers: MedGen C0950123, MeSH D030342.

Allele frequency attached by ClinVar (database versions not stated): gnomAD 0.00014 and 0.00016; gnomAD exomes 0.00015; ExAC 0.00017; TOPMed 0.00020; ESP Exome Variant Server 0.00038.
gnomAD v4.1: 250 of 1,613,488 alleles (0.015%); highest among the groups gnomAD compares: Non-Finnish European, 0.014%; no homozygotes.

Submissions (2):

Ambry Genetics
Classification: Uncertain significance for Inborn genetic diseases. Last evaluated: 2023-06-13. Review status: criteria provided, single submitter. Criteria: Ambry Variant Classification Scheme 2023. Collection method: clinical testing. Allele origin: germline.

Laboratory for Molecular Medicine, Mass General Brigham Personalized Medicine
Classification: Likely benign. Last evaluated: 2020-11-25. Review status: criteria provided, single submitter. Criteria: LMM Criteria. Collection method: clinical testing. Allele origin: germline. Observed: 1 variant allele.
Comment: The p.Ala225Thr variant in S1PR2 is classified as likely benign because it has been identified in 0.2% (22/10346) of Ashkenazi Jewish chromosomes by gnomAD, and computational prediction tools predict that this variant does not impact the protein. ACMG/AMP Criteria applied: BS1_Supporting, BP4.